The following is an entry in ClinVar:

ClinVar aggregate classification (germline): Pathogenic/Likely pathogenic. Review status: criteria provided, multiple submitters, no conflicts (2 of 4 stars). 2 submissions from 2 submitters: Pathogenic (1); Likely pathogenic (1). Last evaluated 2026-04-14.

Conditions:
Benign recurrent intrahepatic cholestasis type 2 (BRIC2). Also called: Recurrent familial intrahepatic cholestasis 2. Identifiers: Orphanet 65682, Orphanet 99961, MedGen C2608083, MONDO:0011559, OMIM 605479.
Familial intrahepatic cholestasis. Identifiers: Orphanet 284385, MedGen CN296401, MONDO:0017290.

Submissions (2):

Genomenon, Inc
Classification: Pathogenic for Familial intrahepatic cholestasis. Last evaluated: 2026-04-14. Review status: criteria provided, single submitter. Criteria: Genomenon Sequence Variant Interpretation Standards - Updated. Collection method: curation. Allele origin: germline. Affected: yes.
Comment: ABCB11 c.1435-2A>T is a canonical splice variant affecting the acceptor splice site of intron 13. It is predicted to affect mRNA splicing, leading to a deleterious effect on the ABCB11 protein. This variant has been observed in at least one proband with an ABCB11-related disorder (PMID:32087350). It is absent or not present at a significant frequency in gnomAD. In conclusion, we classify ABCB11 c.1435-2A>T as a pathogenic variant.

Victorian Clinical Genetics Services, Murdoch Childrens Research Institute
Classification: Likely pathogenic for Benign recurrent intrahepatic cholestasis type 2. Last evaluated: 2025-11-27. Review status: criteria provided, single submitter. Criteria: ACMG Guidelines, 2015. Collection method: clinical testing. Allele origin: germline. Affected: yes.
Comment: This variant is classified as Likely pathogenic. Evidence in support of pathogenic classification: Canonical splice site variant without proven consequence on splicing (no functional evidence available); Variant is absent from gnomAD (v2, v3 and v4); This variant has limited previous evidence of pathogenicity in an unrelated individual(s). This variant has been reported as compound heterozygous with p.(Glu1223Asp) in an individual affected with BSEP deficiency (PMID: 32087350); Another canonical splice site variant comparable to the one identified in this case has limited previous evidence for pathogenicity. c.1435-1G>A has been classified as likely pathogenic once by a clinical laboratory in ClinVar; Abnormal splicing is predicted by in silico tool and affected nucleotide is highly conserved. Additional information: This variant is heterozygous; This gene is associated with autosomal recessive disease; No published evidence of segregation with disease has been identified for this variant; No published functional evidence has been identified for this variant; Loss of function is a known mechanism of disease in this gene and is associated with cholestasis, benign recurrent intrahepatic, 2 (MIM#605479) and cholestasis, progressive familial intrahepatic 2 (MIM#601847); Inheritance information for this variant is not currently available in this individual.

Literature cited by the submitters: PubMed 32087350 (cited by Genomenon, Inc and Victorian Clinical Genetics Services, Murdoch Childrens Research Institute).

NM_003742.4(ABCB11):c.1435-2A>T

Gene: ABCB11 (ATP binding cassette subfamily B member 11; minus strand). Cytogenetic location: 2q31.1.
Variant type: single nucleotide variant.
Coding change: c.1435-2A>T on transcript NM_003742.4 (MANE Select); the canonical splice acceptor site of the intron before coding-DNA position 1435, A replaced by T.
Molecular consequence: splice acceptor variant.
Genome position (GRCh38, 1-based): chr2:168,972,052, T>A on the plus strand (A>T on the coding strand, the complement: ABCB11 is on the minus strand). VCF-style: chr2-168972052-T-A. GRCh37 (hg19) VCF-style: chr2-169828562-T-A.
Identifiers: ClinVar variation 4818975 (VCV004818975.2).
Genomic context (GRCh38, chr2:168,972,052, plus strand): 5'-ATCTGATCTCTAAGCCACTGAATGTTAAGAGAGCGAATGTCATGGCCATCCACGGTCACC[T>A]AGAGAGCATGGGCACAACATCACAACTTTTGGAATCTTTCAGGGTTCTGAATCATAATAT-3'